The following is an entry in ClinVar:

ClinVar aggregate classification (germline): Pathogenic (1 of 4 stars; one submission).

Conditions:
Duchenne muscular dystrophy (DMD). Also called: Duchenne Muscular Dystrophy (DMD); MUSCULAR DYSTROPHY, PSEUDOHYPERTROPHIC PROGRESSIVE, DUCHENNE TYPE. Identifiers: Orphanet 98896, MedGen C0013264, MONDO:0010679, OMIM 310200.

Submission:

Labcorp Genetics (formerly Invitae), Labcorp
Classification: Pathogenic for Duchenne muscular dystrophy. Last evaluated: 2022-03-23. Review status: criteria provided, single submitter. Criteria: Invitae Variant Classification Sherloc (09022015). Collection method: clinical testing. Allele origin: germline.
Comment: For these reasons, this variant has been classified as Pathogenic. ClinVar contains an entry for this variant (Variation ID: 94644). This variant has not been reported in the literature in individuals affected with DMD-related conditions. This variant is not present in population databases (gnomAD no frequency). This sequence change creates a premature translational stop signal (p.Gly1635Profs*2) in the DMD gene. It is expected to result in an absent or disrupted protein product. Loss-of-function variants in DMD are known to be pathogenic (PMID: 16770791, 25007885).

Literature cited by the submitters: PubMed 16770791; PubMed 25007885.

NM_004006.3(DMD):c.4902_4908del (p.Gly1635fs)

Gene: DMD (dystrophin; minus strand). Cytogenetic location: Xp21.1.
Variant type: Deletion.
Coding change: c.4902_4908del on transcript NM_004006.3 (MANE Select); coding-DNA positions 4902 to 4908, 7 bases deleted (AGGAGAG; older notation c.4902_4908delAGGAGAG).
Protein change: p.Gly1635fs; shifts the reading frame from glycine 1635.
Molecular consequence: frameshift variant.
Genome position (GRCh38, 1-based): chrX:32,365,137-32,365,143, CTCTCCT deleted on the plus strand (AGGAGAG on the coding strand, the reverse complement: DMD is on the minus strand). VCF-style (leftmost placement, unchanged base first): chrX-32365136-CCTCTCCT-C. GRCh37 (hg19) VCF-style: chrX-32383253-CCTCTCCT-C.
Other names: c.4878_4884del, p.Gly1627fs (NM_000109.4); c.4890_4896del, p.Gly1631fs (NM_004009.3); c.4533_4539del, p.Gly1512fs (NM_004010.3); c.879_885del, p.Gly294fs (NM_004011.4); c.870_876del, p.Gly291fs (NM_004012.4); c.4902_4908delAGGAGAG (NM_004006.2); short protein forms G1631fs, G1635fs, G294fs, G1627fs, G291fs, G1512fs.
Identifiers: ClinVar variation 94644 (VCV000094644.8), dbSNP rs398123971, ClinGen allele CA267044.